The following is an entry in ClinVar:

NM_002641.4(PIGA):c.43G>A (p.Ala15Thr)

Gene: PIGA (phosphatidylinositol glycan anchor biosynthesis class A; minus strand). Cytogenetic location: Xp22.2.
Variant type: single nucleotide variant.
Coding change: c.43G>A on transcript NM_002641.4 (MANE Select); coding-DNA position 43, G replaced by A.
Protein change: p.Ala15Thr; replaces alanine 15 with threonine.
Molecular consequence: missense variant. On other transcripts: non-coding transcript variant (2), intron variant (1).
Genome position (GRCh38, 1-based): chrX:15,331,888, C>T on the plus strand (G>A on the coding strand, the complement: PIGA is on the minus strand). VCF-style: chrX-15331888-C-T. GRCh37 (hg19) VCF-style: chrX-15350010-C-T.
Other names: c.13+3613G>A (NM_020473.3); short protein forms A15T.
Identifiers: ClinVar variation 1038996 (VCV001038996.11), dbSNP rs369608621, ClinGen allele CA326944956.
Genomic context (GRCh38, chrX:15,331,888, plus strand): 5'-TATTATGGGTACGGGTTCTACATGTGTAAAGACTTCCAGGGCTAACCCGAGAGAGTGTAG[C>T]TGAGGCACGGTGGCCATTCCCAGCTCCTCCTCTACAGGCCATGCTGAGACGGTTTAGACA-3'
Protein context (NP_002632.1, residues 5-25): GGAGNGHRAS[Ala15Thr]TLSRVSPGSL

ClinVar aggregate classification (germline): Conflicting classifications of pathogenicity. Review status: criteria provided, conflicting classifications (1 of 4 stars). 2 submissions from 2 submitters: Uncertain significance (1); Benign (1). Last evaluated 2024-12-22.

Conditions:
Inborn genetic diseases. Identifiers: MedGen C0950123, MeSH D030342.
Multiple congenital anomalies-hypotonia-seizures syndrome 2 (MCAHS2). Also called: EPILEPTIC ENCEPHALOPATHY, EARLY INFANTILE, 20; GLYCOSYLPHOSPHATIDYLINOSITOL BIOSYNTHESIS DEFECT 4. Identifiers: Orphanet 300496, MedGen C3275508, MONDO:0010466, OMIM 300868.

Allele frequency attached by ClinVar (database versions not stated): gnomAD exomes 0.00001; gnomAD 0.00002; TOPMed 0.00003; ESP Exome Variant Server 0.00009.
gnomAD v4.1: 6 of 1,207,274 alleles (0.0005%); highest among the groups gnomAD compares: African/African-American, 0.0018%; no homozygotes.

Submissions (2):

Labcorp Genetics (formerly Invitae), Labcorp
Classification: Benign for Multiple congenital anomalies-hypotonia-seizures syndrome 2. Last evaluated: 2024-12-22. Review status: criteria provided, single submitter. Criteria: Invitae Variant Classification Sherloc (09022015). Collection method: clinical testing. Allele origin: germline.

Ambry Genetics
Classification: Uncertain significance for Inborn genetic diseases. Last evaluated: 2019-08-26. Review status: criteria provided, single submitter. Criteria: Ambry Variant Classification Scheme 2023. Collection method: clinical testing. Allele origin: germline.
Comment: The p.A15T variant (also known as c.43G>A), located in coding exon 1 of the PIGA gene, results from a G to A substitution at nucleotide position 43. The alanine at codon 15 is replaced by threonine, an amino acid with similar properties. This amino acid position is not well conserved in available vertebrate species. In addition, this alteration is predicted to be tolerated by in silico analysis. Since supporting evidence is limited at this time, the clinical significance of this alteration remains unclear.